The following is an entry in ClinVar:

NM_022124.6(CDH23):c.5727T>G (p.Thr1909=)

Gene: CDH23 (cadherin related 23; plus strand). Cytogenetic location: 10q22.1.
Variant type: single nucleotide variant.
Coding change: c.5727T>G on transcript NM_022124.6 (MANE Select); coding-DNA position 5727, T replaced by G.
Protein change: p.Thr1909=; no amino-acid change (threonine 1909 retained).
Molecular consequence: synonymous variant.
Genome position (GRCh38, 1-based): chr10:71,785,645, T>G. VCF-style: chr10-71785645-T-G. GRCh37 (hg19) VCF-style: chr10-73545402-T-G.
Other names: c.5727T>G (NM_022124.5).
Identifiers: ClinVar variation 2907226 (VCV002907226.4), dbSNP rs756919394, ClinGen allele CA470060894.

ClinVar aggregate classification (germline): Likely benign. Review status: criteria provided, multiple submitters, no conflicts (2 of 4 stars). 2 submissions from 2 submitters: Likely benign (2). Last evaluated 2025-12-30.

Conditions:
CDH23-related disorder. Also called: CDH23-related condition; CDH23-related disorders.

gnomAD v4.1: 11 of 1,600,436 alleles (0.00069%); highest among the groups gnomAD compares: African/African-American, 0.0094%; no homozygotes.

Submissions (2):

Labcorp Genetics (formerly Invitae), Labcorp
Classification: Likely benign. Last evaluated: 2025-12-30. Review status: criteria provided, single submitter. Criteria: Invitae Variant Classification Sherloc (09022015). Collection method: clinical testing. Allele origin: germline.

PreventionGenetics, part of Exact Sciences
Classification: Likely benign for CDH23-related condition. Last evaluated: 2025-10-22. Review status: criteria provided, single submitter. Criteria: ACMG Guidelines, 2015. Collection method: clinical testing. Allele origin: germline.
Comment: This variant is classified as likely benign based on ACMG/AMP sequence variant interpretation guidelines (Richards et al. 2015 PMID: 25741868, with internal and published modifications).